The following is an entry in ClinVar:

NM_003737.4(DCHS1):c.9246A>T (p.Glu3082Asp)

Gene: DCHS1 (dachsous cadherin-related 1; minus strand). Cytogenetic location: 11p15.4.
Variant type: single nucleotide variant.
Coding change: c.9246A>T on transcript NM_003737.4 (MANE Select); coding-DNA position 9246, A replaced by T.
Protein change: p.Glu3082Asp; replaces glutamic acid 3082 with aspartic acid.
Molecular consequence: missense variant.
Genome position (GRCh38, 1-based): chr11:6,622,430, T>A on the plus strand (A>T on the coding strand, the complement: DCHS1 is on the minus strand). VCF-style: chr11-6622430-T-A. GRCh37 (hg19) VCF-style: chr11-6643661-T-A.
Other names: short protein forms E3082D.
Identifiers: ClinVar variation 4279819 (VCV004279819.1).

ClinVar aggregate classification (germline): Uncertain significance (1 of 4 stars; one submission).

Conditions:
Van Maldergem syndrome 1 (VMLDS1). Also called: Van Maldergem syndrome 1 (VMLDS1). Identifiers: Orphanet 314679, MedGen C4551950, MONDO:0011070, OMIM 601390.

gnomAD v4.1: 17 of 1,555,766 alleles (0.0011%); highest among the groups gnomAD compares: Non-Finnish European, 0.0015%; no homozygotes.

Submission:

Clinical Genomics Laboratory, Washington University in St. Louis
Classification: Uncertain significance for Van Maldergem syndrome 1. Last evaluated: 2025-06-22. Review status: criteria provided, single submitter. Criteria: ACMG Guidelines, 2015. Collection method: clinical testing. Allele origin: germline.
Comment: A DCHS1 c.9246A>T (p.Glu3082Asp) variant was identified at a near heterozygous allelic fraction of 47.9%, a frequency that may be consistent with germline origin. This variant, to our knowledge, has not been reported in the medical literature. It is only observed in 17/1,555,766 alleles in the general population (gnomAD v.4.1.0), indicating it is not a common variant. Computational predictors suggest that the variant does not impact DCHS1 function. Due to limited information, and based on ACMG/AMP guidelines for variant interpretation (Richards S et al., PMID: 25741868), the clinical significance of this variant is uncertain at this time.